The following is an entry in ClinVar:

ClinVar aggregate classification (germline): Benign. Review status: criteria provided, single submitter (1 of 4 stars). 2 submissions from 2 submitters: Benign (1). 1 of the submissions does not count toward it. Last evaluated 2025-12-20.

Conditions:
MACF1-related disorder. Also called: MACF1-related condition.

Allele frequency attached by ClinVar (database versions not stated): ExAC 0.00197; gnomAD 0.00574; ESP Exome Variant Server 0.00600; TOPMed 0.00679; 1000 Genomes Project 0.00819; 1000 Genomes Project 30x 0.00890.
gnomAD v4.1: 1,887 of 1,598,288 alleles (0.12%); highest among the groups gnomAD compares: African/African-American, 1.9%; 19 homozygotes.

Submissions (2):

Labcorp Genetics (formerly Invitae), Labcorp
Classification: Benign. Last evaluated: 2025-12-20. Review status: criteria provided, single submitter. Criteria: Invitae Variant Classification Sherloc (09022015). Collection method: clinical testing. Allele origin: germline.

PreventionGenetics, part of Exact Sciences
Classification: Benign for MACF1-related condition. Last evaluated: 2024-06-18. Review status: no assertion criteria provided. Collection method: clinical testing. Allele origin: germline. Not counted in ClinVar's aggregate classification.
Comment: This variant is classified as benign based on ACMG/AMP sequence variant interpretation guidelines (Richards et al. 2015 PMID: 25741868, with internal and published modifications).

NM_001394062.1(MACF1):c.4029+5C>A

Gene: MACF1 (microtubule actin crosslinking factor 1; plus strand). Cytogenetic location: 1p34.3.
Variant type: single nucleotide variant.
Coding change: c.4029+5C>A on transcript NM_001394062.1 (MANE Select); 5 bases into the intron after coding-DNA position 4029, C replaced by A.
Molecular consequence: intron variant.
Genome position (GRCh38, 1-based): chr1:39,319,752, C>A. VCF-style: chr1-39319752-C-A. GRCh37 (hg19) VCF-style: chr1-39785424-C-A.
Other names: c.4044+5C>A (NM_012090.5).
Identifiers: ClinVar variation 2047565 (VCV002047565.5), dbSNP rs146105375, ClinGen allele CA780157.
Genomic context (GRCh38, chr1:39,319,752, plus strand): 5'-AGACAAAACTGGATCAATGTCAAAAATTTTCCCAGCAGTACTCTACTATTGTAAAGGTAA[C>A]TTTACCACATCCCAAAAAGAACATGAATCATCACCAGCTCAGGAAAACCTACATCTTCAC-3'